The following is an entry in ClinVar:

NM_153717.3(EVC):c.2527G>A (p.Gly843Ser)

Gene: EVC (EvC ciliary complex subunit 1; plus strand). Cytogenetic location: 4p16.2.
Variant type: single nucleotide variant.
Coding change: c.2527G>A on transcript NM_153717.3 (MANE Select); coding-DNA position 2527, G replaced by A.
Protein change: p.Gly843Ser; replaces glycine 843 with serine.
Molecular consequence: missense variant.
Genome position (GRCh38, 1-based): chr4:5,804,807, G>A. VCF-style: chr4-5804807-G-A. GRCh37 (hg19) VCF-style: chr4-5806534-G-A.
Other names: c.2527G>A, p.Gly843Ser (NM_001306090.2); short protein forms G843S.
Identifiers: ClinVar variation 2153515 (VCV002153515.1), dbSNP rs774153178, ClinGen allele CA2836558.

ClinVar aggregate classification (germline): Uncertain significance (1 of 4 stars; one submission).

Conditions:
Ellis-van Creveld syndrome (EVC). Also called: MESOECTODERMAL DYSPLASIA; Chondroectodermal dysplasia; EVC-Related Ellis-van Creveld Syndrome; EVC2-Related Ellis-van Creveld Syndrome. Identifiers: Orphanet 289, MedGen C0013903, MONDO:0009162, OMIM 225500.
Curry-Hall syndrome (WAD). Also called: WEYERS ACRODENTAL DYSOSTOSIS. Identifiers: Orphanet 952, MedGen C0457013, MONDO:0008673, OMIM 193530.

Allele frequency attached by ClinVar (database versions not stated): ExAC 0.00001; gnomAD 0.00001; gnomAD exomes 0.00003.
gnomAD v4.1: 44 of 1,614,012 alleles (0.0027%); highest among the groups gnomAD compares: Non-Finnish European, 0.0036%; no homozygotes.

Submission:

Labcorp Genetics (formerly Invitae), Labcorp
Classification: Uncertain significance for Curry-Hall syndrome; Ellis-van Creveld syndrome. Last evaluated: 2022-06-14. Review status: criteria provided, single submitter. Criteria: Invitae Variant Classification Sherloc (09022015). Collection method: clinical testing. Allele origin: germline.
Comment: This sequence change replaces glycine, which is neutral and non-polar, with serine, which is neutral and polar, at codon 843 of the EVC protein (p.Gly843Ser). This variant is present in population databases (rs774153178, gnomAD 0.004%). This variant has not been reported in the literature in individuals affected with EVC-related conditions. Algorithms developed to predict the effect of missense changes on protein structure and function are either unavailable or do not agree on the potential impact of this missense change (SIFT: "Tolerated"; PolyPhen-2: "Possibly Damaging"; Align-GVGD: "Class C0"). Algorithms developed to predict the effect of sequence changes on RNA splicing suggest that this variant may disrupt the consensus splice site. In summary, the available evidence is currently insufficient to determine the role of this variant in disease. Therefore, it has been classified as a Variant of Uncertain Significance.